The following is an entry in ClinVar:

NM_201384.3(PLEC):c.9242C>T (p.Ala3081Val)

Gene: PLEC (plectin; minus strand). Cytogenetic location: 8q24.3.
Variant type: single nucleotide variant.
Coding change: c.9242C>T on transcript NM_201384.3 (MANE Select); coding-DNA position 9242, C replaced by T.
Protein change: p.Ala3081Val; replaces alanine 3081 with valine.
Molecular consequence: missense variant.
Genome position (GRCh38, 1-based): chr8:143,920,579, G>A on the plus strand (C>T on the coding strand, the complement: PLEC is on the minus strand). VCF-style: chr8-143920579-G-A. GRCh37 (hg19) VCF-style: chr8-144994747-G-A.
Other names: c.9323C>T, p.Ala3108Val (NM_000445.5); c.9200C>T, p.Ala3067Val (NM_201378.4); c.9176C>T, p.Ala3059Val (NM_201379.3); c.9653C>T, p.Ala3218Val (NM_201380.4); c.9146C>T, p.Ala3049Val (NM_201381.3); c.9242C>T, p.Ala3081Val (NM_201382.4); c.9254C>T, p.Ala3085Val (NM_201383.3); short protein forms A3049V, A3081V, A3218V, A3085V, A3059V, A3067V, A3108V.
Identifiers: ClinVar variation 538945 (VCV000538945.9), dbSNP rs782121895, ClinGen allele CA4925023.

ClinVar aggregate classification (germline): Uncertain significance (1 of 4 stars; one submission).

Conditions:
Epidermolysis bullosa simplex with nail dystrophy (EBS5D). Identifiers: MedGen C4225309, MONDO:0014661, OMIM 616487.
Epidermolysis bullosa simplex 5B, with muscular dystrophy (EBS5B). Also called: EPIDERMOLYSIS BULLOSA SIMPLEX AND LIMB-GIRDLE MUSCULAR DYSTROPHY; Epidermolysis bullosa simplex with muscular dystrophy. Identifiers: Orphanet 257, MedGen C2931072, MONDO:0009181, OMIM 226670.
Epidermolysis bullosa simplex, Ogna type (EBS5A). Also called: Pidermolysis bullosa simplex 5A, Ogna type; EPIDERMOLYSIS BULLOSA SIMPLEX 5A, OGNA TYPE. Identifiers: Orphanet 79401, MedGen C0432317, MONDO:0007555, OMIM 131950.
Autosomal recessive limb-girdle muscular dystrophy type 2Q (LGMDR17). Also called: MUSCULAR DYSTROPHY, LIMB-GIRDLE, AUTOSOMAL RECESSIVE 17. Identifiers: Orphanet 254361, MedGen C3150989, MONDO:0013390, OMIM 613723.
Epidermolysis bullosa simplex 5C, with pyloric atresia (EBS5C). Also called: PLEC-Related Epidermolysis Bullosa with Pyloric Atresia; Epidermolysis bullosa simplex with pyloric atresia; PLEC1-Related Epidermolysis Bullosa with Pyloric Atresia. Identifiers: Orphanet 158684, MedGen C2677349, MONDO:0012807, OMIM 612138.

Allele frequency attached by ClinVar (database versions not stated): gnomAD exomes 0.00001; ExAC 0.00002.
gnomAD v4.1: 8 of 1,610,848 alleles (0.0005%); highest among the groups gnomAD compares: South Asian, 0.0033%; no homozygotes.

Submission:

Labcorp Genetics (formerly Invitae), Labcorp
Classification: Uncertain significance for Autosomal recessive limb-girdle muscular dystrophy type 2Q; Epidermolysis bullosa simplex, Ogna type; Epidermolysis bullosa simplex with nail dystrophy; Epidermolysis bullosa simplex 5C, with pyloric atresia; Epidermolysis bullosa simplex 5B, with muscular dystrophy. Last evaluated: 2025-09-08. Review status: criteria provided, single submitter. Criteria: Invitae Variant Classification Sherloc (09022015). Collection method: clinical testing. Allele origin: germline.
Comment: This sequence change replaces alanine, which is neutral and non-polar, with valine, which is neutral and non-polar, at codon 3108 of the PLEC protein (p.Ala3108Val). This variant is present in population databases (rs782121895, gnomAD 0.002%). This variant has not been reported in the literature in individuals affected with PLEC-related conditions. ClinVar contains an entry for this variant (Variation ID: 538945). An algorithm developed to predict the effect of missense changes on protein structure and function (PolyPhen-2) suggests that this variant is likely to be disruptive. In summary, the available evidence is currently insufficient to determine the role of this variant in disease. Therefore, it has been classified as a Variant of Uncertain Significance.